The following is an entry in ClinVar:

NM_024656.4(COLGALT1):c.1743C>T (p.His581=)

Gene: COLGALT1 (collagen beta(1-O)galactosyltransferase 1; plus strand). Cytogenetic location: 19p13.11.
Variant type: single nucleotide variant.
Coding change: c.1743C>T on transcript NM_024656.4 (MANE Select); coding-DNA position 1743, C replaced by T.
Protein change: p.His581=; no amino-acid change (histidine 581 retained).
Molecular consequence: synonymous variant.
Genome position (GRCh38, 1-based): chr19:17,581,318, C>T. VCF-style: chr19-17581318-C-T. GRCh37 (hg19) VCF-style: chr19-17692127-C-T.
Other names: c.1743C>T (NM_024656.3).
Identifiers: ClinVar variation 2044190 (VCV002044190.6), dbSNP rs139979457, ClinGen allele CA9297420.

ClinVar aggregate classification (germline): Benign. Review status: criteria provided, single submitter (1 of 4 stars). 2 submissions from 2 submitters: Benign (1). 1 of the submissions does not count toward it. Last evaluated 2025-10-13.

Conditions:
COLGALT1-related disorder. Also called: COLGALT1-related condition.

Allele frequency attached by ClinVar (database versions not stated): TOPMed 0.00034; ESP Exome Variant Server 0.00054; gnomAD 0.00152; gnomAD exomes 0.00267; ExAC 0.00588; 1000 Genomes Project 30x 0.01046; 1000 Genomes Project 0.01098.
gnomAD v4.1: 4,128 of 1,613,416 alleles (0.26%); highest among the groups gnomAD compares: South Asian, 4.1%; 111 homozygotes.

Submissions (2):

Labcorp Genetics (formerly Invitae), Labcorp
Classification: Benign. Last evaluated: 2025-10-13. Review status: criteria provided, single submitter. Criteria: Invitae Variant Classification Sherloc (09022015). Collection method: clinical testing. Allele origin: germline.

PreventionGenetics, part of Exact Sciences
Classification: Benign for COLGALT1-related condition. Last evaluated: 2019-12-30. Review status: no assertion criteria provided. Collection method: clinical testing. Allele origin: germline. Not counted in ClinVar's aggregate classification.
Comment: This variant is classified as benign based on ACMG/AMP sequence variant interpretation guidelines (Richards et al. 2015 PMID: 25741868, with internal and published modifications).